The following is an entry in ClinVar:

ClinVar aggregate classification (germline): Likely pathogenic (1 of 4 stars; one submission).

Conditions:
Eichsfeld type congenital muscular dystrophy (CMYO3). Also called: MYOPATHY, SEPN1-RELATED; Rigid spine muscular dystrophy 1; SELENON-related myopathy; Congenital myopathy 3 with rigid spine. Identifiers: MedGen C0410180, MONDO:0100100, OMIM 602771.

Submission:

Igenomix - Part of Vitrolife Group, Igenomix
Classification: Likely pathogenic for Eichsfeld type congenital muscular dystrophy. Review status: criteria provided, single submitter. Criteria: ACMG Guidelines, 2015. Collection method: clinical testing. Allele origin: germline. Inheritance: Autosomal recessive inheritance. Affected: no.
Comment: The SELENON variant (NM_020451.3:c.243dupT, p.Asp82Ter) results in a premature termination codon, predicted to cause a truncation of the encoded protein or absence of the protein due to nonsense mediated decay, which are commonly known mechanisms for disease (PVS1). Truncations downstream of this position have been classified as pathogenic. This variant is absent in the gnomAD v4.1.0 (PM2). To our knowledge, no experimental evidence demonstrating an impact on protein function has been reported. Based on the evidence outlined above, the variant was classified as likely pathogenic. This variant was detected in the heterozygous state through carrier screening.

NM_206926.2(SELENON):c.243dup (p.Asp82Ter)

Gene: SELENON (selenoprotein N; plus strand). Cytogenetic location: 1p36.11.
Variant type: Duplication.
Coding change: c.243dup on transcript NM_206926.2 (MANE Select); coding-DNA position 243, one base duplicated (T; older notation c.243dupT).
Protein change: p.Asp82Ter; replaces aspartic acid 82 with a stop codon.
Molecular consequence: nonsense.
Genome position (GRCh38, 1-based): chr1:25,801,102, T duplicated. VCF-style (leftmost placement, unchanged base first): chr1-25801101-C-CT. GRCh37 (hg19) VCF-style: chr1-26127592-C-CT.
Other names: c.243dupT (NM_020451.3); c.243dup, p.Asp82Ter (NM_020451.3); short protein forms D82*.
Identifiers: ClinVar variation 3336672 (VCV003336672.1).